The following is an entry in ClinVar:

ClinVar aggregate classification (germline): Uncertain significance. Review status: criteria provided, multiple submitters, no conflicts (2 of 4 stars). 2 submissions from 2 submitters: Uncertain significance (2). Last evaluated 2025-08-19.

Conditions:
Inborn genetic diseases. Identifiers: MedGen C0950123, MeSH D030342.
Symmetrical dyschromatosis of extremities (DSH). Also called: DYSCHROMATOSIS SYMMETRICA HEREDITARIA 1; RETICULATE ACROPIGMENTATION OF DOHI; SYMMETRIC DYSCHROMATOSIS OF THE EXTREMITIES; Dyschromatosis symmetrica hereditaria. Identifiers: Orphanet 41, MedGen C0406775, MONDO:0007483, OMIM 127400.
Aicardi-Goutieres syndrome 6 (AGS6). Identifiers: Orphanet 51, MedGen C3539013, MONDO:0014007, OMIM 615010.

gnomAD v4.1: 1 of 1,614,212 alleles (0.000062%); highest among the groups gnomAD compares: Admixed American, 0.0017%; no homozygotes.

Submissions (2):

Ambry Genetics
Classification: Uncertain significance for Inborn genetic diseases. Last evaluated: 2025-08-19. Review status: criteria provided, single submitter. Criteria: Ambry Variant Classification Scheme 2023. Collection method: clinical testing. Allele origin: germline.

Labcorp Genetics (formerly Invitae), Labcorp
Classification: Uncertain significance for Aicardi-Goutieres syndrome 6; Symmetrical dyschromatosis of extremities. Last evaluated: 2023-12-25. Review status: criteria provided, single submitter. Criteria: Invitae Variant Classification Sherloc (09022015). Collection method: clinical testing. Allele origin: germline.
Comment: This sequence change replaces alanine, which is neutral and non-polar, with glycine, which is neutral and non-polar, at codon 549 of the ADAR protein (p.Ala549Gly). This variant is not present in population databases (gnomAD no frequency). This variant has not been reported in the literature in individuals affected with ADAR-related conditions. Advanced modeling of protein sequence and biophysical properties (such as structural, functional, and spatial information, amino acid conservation, physicochemical variation, residue mobility, and thermodynamic stability) performed at Invitae indicates that this missense variant is not expected to disrupt ADAR protein function with a negative predictive value of 80%. In summary, the available evidence is currently insufficient to determine the role of this variant in disease. Therefore, it has been classified as a Variant of Uncertain Significance.

NM_001111.5(ADAR):c.1646C>G (p.Ala549Gly)

Gene: ADAR (adenosine deaminase RNA specific; minus strand). Cytogenetic location: 1q21.3.
Variant type: single nucleotide variant.
Coding change: c.1646C>G on transcript NM_001111.5 (MANE Select); coding-DNA position 1646, C replaced by G.
Protein change: p.Ala549Gly; replaces alanine 549 with glycine.
Molecular consequence: missense variant.
Genome position (GRCh38, 1-based): chr1:154,598,541, G>C on the plus strand (C>G on the coding strand, the complement: ADAR is on the minus strand). VCF-style: chr1-154598541-G-C. GRCh37 (hg19) VCF-style: chr1-154571017-G-C.
Other names: c.761C>G, p.Ala254Gly (NM_001025107.3, NM_001193495.2, NM_001365046.1 and 3 more transcripts); c.1673C>G, p.Ala558Gly (NM_001365045.1); c.1646C>G, p.Ala549Gly (NM_015841.4, NM_015840.4); c.1646C>G (NM_001111.4); short protein forms A254G, A549G, A558G.
Identifiers: ClinVar variation 2934949 (VCV002934949.4), dbSNP rs1557882064, ClinGen allele CA342639653.
Genomic context (GRCh38, chr1:154,598,541, plus strand): 5'-AGAATTGTCATGGCTTTCATAGCTGCATCCTGCTTGGCCACTTTCTTGCTTCCAGCTTCA[G>C]CTGGGGGAAACTCTCGGCCATTGATGACAACCTGGAATTTAAATCTTGACGGAAAGTGAT-3'
Protein context (NP_001102.3, residues 539-559): VVINGREFPP[Ala549Gly]EAGSKKVAKQ